The following is an entry in ClinVar:

NM_004369.4(COL6A3):c.4409C>A (p.Pro1470His)

Gene: COL6A3 (collagen type VI alpha 3 chain; minus strand). Cytogenetic location: 2q37.3.
Variant type: single nucleotide variant.
Coding change: c.4409C>A on transcript NM_004369.4 (MANE Select); coding-DNA position 4409, C replaced by A.
Protein change: p.Pro1470His; replaces proline 1470 with histidine.
Molecular consequence: missense variant.
Genome position (GRCh38, 1-based): chr2:237,369,054, G>T on the plus strand (C>A on the coding strand, the complement: COL6A3 is on the minus strand). VCF-style: chr2-237369054-G-T. GRCh37 (hg19) VCF-style: chr2-238277697-G-T.
Other names: c.4409C>A (NM_004369.3); c.2588C>A, p.Pro863His (NM_057166.5); c.3791C>A, p.Pro1264His (NM_057167.4); short protein forms P1470H, P1264H, P863H.
Identifiers: ClinVar variation 1424516 (VCV001424516.9), dbSNP rs2077623565, ClinGen allele CA351193388.

ClinVar aggregate classification (germline): Uncertain significance. Review status: criteria provided, multiple submitters, no conflicts (2 of 4 stars). 2 submissions from 2 submitters: Uncertain significance (2). Last evaluated 2025-11-05.

Conditions:
Inborn genetic diseases. Identifiers: MedGen C0950123, MeSH D030342.
Bethlem myopathy 1A. Also called: MYOPATHY, BENIGN CONGENITAL, WITH CONTRACTURES; Bethlem Muscular Dystrophy; Bethlem myopathy 1. Identifiers: Orphanet 610, MedGen CN029274, MONDO:0024530, OMIM 158810.

Allele frequency attached by ClinVar (database versions not stated): TOPMed 0.00001.
gnomAD v4.1: 1 of 1,614,186 alleles (0.000062%); no homozygotes.

Submissions (2):

Ambry Genetics
Classification: Uncertain significance for Inborn genetic diseases. Last evaluated: 2025-11-05. Review status: criteria provided, single submitter. Criteria: Ambry Variant Classification Scheme 2023. Collection method: clinical testing. Allele origin: germline.

Labcorp Genetics (formerly Invitae), Labcorp
Classification: Uncertain significance for Bethlem myopathy 1A. Last evaluated: 2022-08-09. Review status: criteria provided, single submitter. Criteria: Invitae Variant Classification Sherloc (09022015). Collection method: clinical testing. Allele origin: germline.
Comment: In summary, the available evidence is currently insufficient to determine the role of this variant in disease. Therefore, it has been classified as a Variant of Uncertain Significance. Advanced modeling of protein sequence and biophysical properties (such as structural, functional, and spatial information, amino acid conservation, physicochemical variation, residue mobility, and thermodynamic stability) performed at Invitae indicates that this missense variant is not expected to disrupt COL6A3 protein function. ClinVar contains an entry for this variant (Variation ID: 1424516). This variant has not been reported in the literature in individuals affected with COL6A3-related conditions. This variant is not present in population databases (gnomAD no frequency). This sequence change replaces proline, which is neutral and non-polar, with histidine, which is basic and polar, at codon 1470 of the COL6A3 protein (p.Pro1470His).